The following is an entry in ClinVar:

ClinVar aggregate classification (germline): Likely pathogenic (1 of 4 stars; one submission).

Conditions:
Mucopolysaccharidosis, MPS-II (MPS2). Also called: Hunter Syndrome; IDURONATE 2-SULFATASE DEFICIENCY; Mucopolysaccharidosis Type II; Mucopolysaccharidosis type 2; Attenuated MPS (subtype; formerly known as mild MPS II); Severe MPS II. Identifiers: Orphanet 580, Orphanet 79388, MedGen C0026705, MONDO:0010674, OMIM 309900.

Submission:

Laboratory of Diagnosis and Therapy of Lysosomal Disorders, University of Padova
Classification: Likely pathogenic for Mucopolysaccharidosis, MPS-II. Last evaluated: 2024-06-07. Review status: criteria provided, single submitter. Criteria: ACMG Guidelines, 2015. Collection method: literature only. Allele origin: germline. Affected: yes. Observed: 1 variant allele.
Comment: Absent from controls (or at low frequency) in gnomAD database (PM2_Moderate), Protein length changes in a nonrepeat region or stop–loss variants (PM4_Strong), Multiple lines of computational evidence support a deleterious effect (PP3_Supporting), Patient’s phenotype or family history highly specific for the disease (PP4_Moderate)

Classification method: ACMG Guidelines [PMID:25741868] with modifications

Literature cited by the submitters: PubMed 9266380.

NM_000202.8(IDS):c.350CCA[1] (p.Thr118del)

Gene: IDS (iduronate 2-sulfatase; minus strand). Cytogenetic location: Xq28.
Variant type: Microsatellite.
Coding change: c.350CCA[1] on transcript NM_000202.8 (MANE Select); one copy of the 3-base unit CCA starting at c.350; the reference has two copies in a row; one copy, 3 bases deleted; also written c.353_355del.
Protein change: p.Thr118del; deletes threonine 118.
Molecular consequence: inframe deletion. On other transcripts: non-coding transcript variant (1).
Genome position (GRCh38, 1-based): chrX:149,503,375-149,503,377, TGG deleted on the plus strand (CCA on the coding strand, the reverse complement: IDS is on the minus strand); deleting any 3 consecutive bases within chrX:149,503,375-149,503,380 gives the same sequence; the position shown is the placement nearest the transcript's 3' end. VCF-style (leftmost placement, unchanged base first): chrX-149503374-ATGG-A. GRCh37 (hg19) VCF-style: chrX-148584904-ATGG-A.
Other names: c.80CCA[1], p.Thr28del (NM_001166550.4); c.350CCA[1], p.Thr118del (NM_006123.5); c.353_355del (NM_000202.8); short protein forms T118del, T28del.
Identifiers: ClinVar variation 3255682 (VCV003255682.2).